The following is an entry in ClinVar:

ClinVar aggregate classification (germline): Likely benign. Review status: criteria provided, multiple submitters, no conflicts (2 of 4 stars). 4 submissions from 4 submitters: Likely benign (4). Last evaluated 2026-04-04.

Conditions:
Cardiovascular phenotype. Identifiers: MedGen CN230736.
Cardiomyopathy (CMYO). Also called: Cardiomyopathies. Identifiers: Orphanet 167848, MedGen C0878544, MONDO:0004994, HP:0001638. Inheritance: Various modes of inheritance.
Hypertrophic cardiomyopathy. Also called: HYPERTROPHIC MYOCARDIOPATHY. Identifiers: Orphanet 217569, MedGen C0007194, MeSH D002312, MONDO:0005045, HP:0001639.

Allele frequency attached by ClinVar (database versions not stated): gnomAD 0.00001; gnomAD exomes 0.00001; TOPMed below 0.00001.
gnomAD v4.1: 22 of 1,613,160 alleles (0.0014%); highest among the groups gnomAD compares: Non-Finnish European, 0.0019%; no homozygotes.

Submissions (4):

Ambry Genetics
Classification: Likely benign for Cardiovascular phenotype. Last evaluated: 2026-04-04. Review status: criteria provided, single submitter. Criteria: Ambry Variant Classification Scheme 2023. Collection method: clinical testing. Allele origin: germline.

Labcorp Genetics (formerly Invitae), Labcorp
Classification: Likely benign for Hypertrophic cardiomyopathy. Last evaluated: 2025-01-29. Review status: criteria provided, single submitter. Criteria: Invitae Variant Classification Sherloc (09022015). Collection method: clinical testing. Allele origin: germline.

All of Us Research Program, National Institutes of Health
Classification: Likely benign for Hypertrophic cardiomyopathy. Last evaluated: 2023-09-17. Review status: criteria provided, single submitter. Criteria: ACMG Guidelines, 2015. Collection method: clinical testing. Allele origin: germline. Inheritance: Autosomal dominant inheritance. Observed: 1 variant allele, 1 heterozygote.
Comment: This study involves interpretation of variants in research participants for the purpose of population health screening. Participant phenotype was not available at the time of variant classification. Additional details can be found in publication PMID: 35346344, PMCID: PMC8962531

Color Diagnostics, LLC DBA Color Health
Classification: Likely benign for Cardiomyopathy. Last evaluated: 2023-09-13. Review status: criteria provided, single submitter. Criteria: ACMG Guidelines, 2015. Collection method: clinical testing. Allele origin: germline.

NM_000256.3(MYBPC3):c.1344T>C (p.Phe448=)

Gene: MYBPC3 (myosin binding protein C3; minus strand). Cytogenetic location: 11p11.2.
Variant type: single nucleotide variant.
Coding change: c.1344T>C on transcript NM_000256.3 (MANE Select); coding-DNA position 1344, T replaced by C.
Protein change: p.Phe448=; no amino-acid change (phenylalanine 448 retained).
Molecular consequence: synonymous variant.
Genome position (GRCh38, 1-based): chr11:47,343,028, A>G on the plus strand (T>C on the coding strand, the complement: MYBPC3 is on the minus strand). VCF-style: chr11-47343028-A-G. GRCh37 (hg19) VCF-style: chr11-47364579-A-G.
Identifiers: ClinVar variation 1646490 (VCV001646490.11), dbSNP rs979655756, ClinGen allele CA221696716.